The following is an entry in ClinVar:

ClinVar aggregate classification (germline): Uncertain significance. Review status: criteria provided, multiple submitters, no conflicts (2 of 4 stars). 6 submissions from 6 submitters: Uncertain significance (6). Last evaluated 2026-02-10.

Conditions:
POLG-related disorder. Also called: POLG-Related Spectrum Disorders; POLG-related condition; POLG-Related Disorders. Identifiers: MedGen C4763519.
Progressive sclerosing poliodystrophy (MTDPS4A). Also called: Alpers Syndrome; ALPERS PROGRESSIVE INFANTILE POLIODYSTROPHY; NEURONAL DEGENERATION OF CHILDHOOD WITH LIVER DISEASE, PROGRESSIVE; ALPERS DIFFUSE DEGENERATION OF CEREBRAL GRAY MATTER WITH HEPATIC CIRRHOSIS; Alpers-Huttenlocher Syndrome; Mitochondrial DNA depletion syndrome 4A (Alpers type). Identifiers: Orphanet 726, MedGen C0205710, MONDO:0008758, OMIM 203700.

Allele frequency attached by ClinVar (database versions not stated): ExAC 0.00002; gnomAD 0.00002; gnomAD exomes 0.00002; TOPMed 0.00005; ESP Exome Variant Server 0.00015.
gnomAD v4.1: 70 of 1,614,018 alleles (0.0043%); highest among the groups gnomAD compares: Non-Finnish European, 0.0058%; no homozygotes.

Submissions (6):

GeneDx
Classification: Uncertain significance. Last evaluated: 2026-02-10. Review status: criteria provided, single submitter. Criteria: GeneDx Variant Classification Process June 2021. Collection method: clinical testing. Allele origin: germline. Affected: yes.
Comment: Not observed at significant frequency in large population cohorts (gnomAD); Has not been previously published as pathogenic or benign to our knowledge; In silico analysis suggests that this missense variant does not alter protein structure/function; This variant is associated with the following publications: (PMID: 28480171)

CeGaT Center for Human Genetics Tuebingen
Classification: Uncertain significance. Last evaluated: 2026-02-01. Review status: criteria provided, single submitter. Criteria: CeGaT Center For Human Genetics Tuebingen Variant Classification Criteria Version 2. Collection method: clinical testing. Allele origin: germline. Affected: yes. Observed: 2 variant alleles.
Comment: POLG: PM1

Labcorp Genetics (formerly Invitae), Labcorp
Classification: Uncertain significance for Progressive sclerosing poliodystrophy. Last evaluated: 2025-12-24. Review status: criteria provided, single submitter. Criteria: Invitae Variant Classification Sherloc (09022015). Collection method: clinical testing. Allele origin: germline.
Comment: This sequence change replaces glycine, which is neutral and non-polar, with aspartic acid, which is acidic and polar, at codon 785 of the POLG protein (p.Gly785Asp). This variant is present in population databases (rs149058889, gnomAD 0.005%). This variant has not been reported in the literature in individuals affected with POLG-related conditions. ClinVar contains an entry for this variant (Variation ID: 574386). Invitae Evidence Modeling of protein sequence and biophysical properties (such as structural, functional, and spatial information, amino acid conservation, physicochemical variation, residue mobility, and thermodynamic stability) indicates that this missense variant is not expected to disrupt POLG protein function with a negative predictive value of 95%. In summary, the available evidence is currently insufficient to determine the role of this variant in disease. Therefore, it has been classified as a Variant of Uncertain Significance.

Revvity Omics, Revvity
Classification: Uncertain significance. Last evaluated: 2025-06-09. Review status: criteria provided, single submitter. Criteria: ACMG Guidelines, 2015. Collection method: clinical testing. Allele origin: germline.

Mayo Clinic Laboratories, Mayo Clinic
Classification: Uncertain significance. Last evaluated: 2022-06-30. Review status: criteria provided, single submitter. Criteria: ACMG Guidelines, 2015. Collection method: clinical testing. Allele origin: germline. Observed: 1 variant allele.

Illumina Laboratory Services, Illumina
Classification: Uncertain significance for POLG-Related Spectrum Disorders. Last evaluated: 2017-04-28. Review status: criteria provided, single submitter. Criteria: ICSL Variant Classification Criteria 13 December 2019. Collection method: clinical testing. Allele origin: germline.

NM_002693.3(POLG):c.2354G>A (p.Gly785Asp)

Gene: POLG (DNA polymerase gamma, catalytic subunit; minus strand). Cytogenetic location: 15q26.1.
Variant type: single nucleotide variant.
Coding change: c.2354G>A on transcript NM_002693.3 (MANE Select); coding-DNA position 2354, G replaced by A.
Protein change: p.Gly785Asp; replaces glycine 785 with aspartic acid.
Molecular consequence: missense variant.
Genome position (GRCh38, 1-based): chr15:89,322,814, C>T on the plus strand (G>A on the coding strand, the complement: POLG is on the minus strand). VCF-style: chr15-89322814-C-T. GRCh37 (hg19) VCF-style: chr15-89866045-C-T.
Other names: p.Gly785Asp; c.2354G>A, p.Gly785Asp (NM_001126131.2); short protein forms G785D.
Identifiers: ClinVar variation 574386 (VCV000574386.40), dbSNP rs149058889, ClinGen allele CA7724499.
Genomic context (GRCh38, chr15:89,322,814, plus strand): 5'-TGGGCGTTCCTCCAGAAAGAAATCATTTTGTTGATTTCCAGAGCACGGGGCCCACTGGCA[C>T]CTCCTGGGCCAGCCTGCAGGGTGCCATCCTCCATCTTGGGCAGGAAGTCCTTGGCAAAGG-3'
Protein context (NP_002684.1, residues 775-795): EDGTLQAGPG[Gly785Asp]ASGPRALEIN